The following is an entry in ClinVar:

NM_003482.4(KMT2D):c.11550C>T (p.His3850=)

Gene: KMT2D (lysine methyltransferase 2D; minus strand). Cytogenetic location: 12q13.12.
Variant type: single nucleotide variant.
Coding change: c.11550C>T on transcript NM_003482.4 (MANE Select); coding-DNA position 11550, C replaced by T.
Protein change: p.His3850=; no amino-acid change (histidine 3850 retained).
Molecular consequence: synonymous variant.
Genome position (GRCh38, 1-based): chr12:49,033,155, G>A on the plus strand (C>T on the coding strand, the complement: KMT2D is on the minus strand). VCF-style: chr12-49033155-G-A. GRCh37 (hg19) VCF-style: chr12-49426938-G-A.
Identifiers: ClinVar variation 1304682 (VCV001304682.6), dbSNP rs958585817, ClinGen allele CA236640017.

ClinVar aggregate classification (germline): Benign/Likely benign. Review status: criteria provided, multiple submitters, no conflicts (2 of 4 stars). 3 submissions from 3 submitters: Benign (1); Likely benign (2). Last evaluated 2025-10-21.

Conditions:
KMT2D-related disorder. Also called: KMT2D-Related Disorders.
Kabuki syndrome. Also called: NIIKAWA-KUROKI SYNDROME; Kabuki make-up syndrome. Identifiers: Orphanet 2322, MedGen C0796004, MONDO:0016512.

Allele frequency attached by ClinVar (database versions not stated): gnomAD 0.00005 and 0.00006; TOPMed 0.00007; gnomAD exomes 0.00001.
gnomAD v4.1: 19 of 1,550,726 alleles (0.0012%); highest among the groups gnomAD compares: African/African-American, 0.023%; no homozygotes.

Submissions (3):

Labcorp Genetics (formerly Invitae), Labcorp
Classification: Benign for Kabuki syndrome. Last evaluated: 2025-10-21. Review status: criteria provided, single submitter. Criteria: Invitae Variant Classification Sherloc (09022015). Collection method: clinical testing. Allele origin: germline.

PreventionGenetics, part of Exact Sciences
Classification: Likely benign for KMT2D-related condition. Last evaluated: 2025-01-07. Review status: criteria provided, single submitter. Criteria: ACMG Guidelines, 2015. Collection method: clinical testing. Allele origin: germline.
Comment: This variant is classified as likely benign based on ACMG/AMP sequence variant interpretation guidelines (Richards et al. 2015 PMID: 25741868, with internal and published modifications).

GeneDx
Classification: Likely benign. Last evaluated: 2021-03-03. Review status: criteria provided, single submitter. Criteria: GeneDx Variant Classification Process June 2021. Collection method: clinical testing. Allele origin: germline. Affected: yes.